The following is an entry in ClinVar:

NM_001042492.3(NF1):c.233dup (p.Asn78fs)

Gene: NF1 (neurofibromin 1; plus strand). Cytogenetic location: 17q11.2.
Variant type: Duplication.
Coding change: c.233dup on transcript NM_001042492.3 (MANE Select); coding-DNA position 233, one base duplicated (A; older notation c.233dupA).
Protein change: p.Asn78fs; shifts the reading frame from asparagine 78.
Molecular consequence: frameshift variant.
Genome position (GRCh38, 1-based): chr17:31,159,038, A duplicated; the last of 7 consecutive A bases (chr17:31,159,032-31,159,038); duplicating any one gives the same sequence. VCF-style (leftmost placement, unchanged base first): chr17-31159031-G-GA. GRCh37 (hg19) VCF-style: chr17-29486049-G-GA.
Other names: c.233dup, p.Asn78Lysfs (NM_000267.4); c.233dup, p.Asn78fs (NM_001128147.3); short protein forms N78fs.
Identifiers: ClinVar variation 2137947 (VCV002137947.4), dbSNP rs1438566555, ClinGen allele CA658761115.
Genomic context (GRCh38, chr17:31,159,031, plus strand): 5'-TGAAACTAACTTTTATGTTCTGAATATCTTTTCTGTTAGAGAATATTTGGAGAAGCTGCT[G>GA]AAAAAAATTTATATCTCTCTCAGTTGATTATATTGGATACACTGGAAAAATGTCTTGCTG-3'

ClinVar aggregate classification (germline): Pathogenic (1 of 4 stars; one submission).

Conditions:
Neurofibromatosis, type 1 (NF1). Also called: Peripheral type neurofibromatosis; VON RECKLINGHAUSEN DISEASE; NEUROFIBROMATOSIS, TYPE I, SOMATIC; Neurofibromatosis, type I. Identifiers: Orphanet 636, MedGen C0027831, MONDO:0018975, OMIM 162200. Disease mechanism: loss of function.

Submission:

Labcorp Genetics (formerly Invitae), Labcorp
Classification: Pathogenic for Neurofibromatosis, type 1. Last evaluated: 2023-12-26. Review status: criteria provided, single submitter. Criteria: Invitae Variant Classification Sherloc (09022015). Collection method: clinical testing. Allele origin: germline.
Comment: This sequence change creates a premature translational stop signal (p.Asn78Lysfs*29) in the NF1 gene. It is expected to result in an absent or disrupted protein product. Loss-of-function variants in NF1 are known to be pathogenic (PMID: 10712197, 23913538). This variant is not present in population databases (gnomAD no frequency). This premature translational stop signal has been observed in individual(s) with NF1-related conditions (PMID: 10712197). This variant is also known as 227insA. ClinVar contains an entry for this variant (Variation ID: 2137947). For these reasons, this variant has been classified as Pathogenic.

Literature cited by the submitters: PubMed 10712197; PubMed 23913538.